The following is an entry in ClinVar:

ClinVar aggregate classification (germline): Pathogenic/Likely pathogenic. Review status: criteria provided, multiple submitters, no conflicts (2 of 4 stars). 15 submissions from 15 submitters: Pathogenic (11); Likely pathogenic (3). 1 of the submissions does not count toward it. Last evaluated 2025-10-15.

Conditions:
Cardiovascular phenotype. Identifiers: MedGen CN230736.
Primary dilated cardiomyopathy (DCM). Also called: Dilated Cardiomyopathy. Identifiers: Orphanet 217604, MedGen C0007193, MeSH D002311, MONDO:0005021, HP:0001644. Inheritance: Various modes of inheritance.
Neuromuscular disease. Also called: Neuromuscular disorder; Neuromyopathy. Identifiers: Orphanet 68381, MedGen C0027868, MeSH D009468, MONDO:0019056.
DES-related disorders.
Desmin-related myofibrillar myopathy (MFM1). Also called: Desminopathy; MYOFIBRILLAR MYOPATHY WITH ARRHYTHMOGENIC RIGHT VENTRICULAR CARDIOMYOPATHY; DESMIN-RELATED MYOPATHY WITH ARRHYTHMOGENIC RIGHT VENTRICULAR CARDIOMYOPATHY; Myofibrillar myopathy 1; Desmin related myopathy (former name); Desmin storage myopathy (former name). Identifiers: Orphanet 363543, Orphanet 98909, MedGen C1832370, MONDO:0011076, OMIM 601419.
Neurogenic scapuloperoneal syndrome, Kaeser type (SCPNK). Also called: KAESER SYNDROME. Identifiers: Orphanet 85146, MedGen C1867005, MONDO:0008407, OMIM 181400.
Dilated cardiomyopathy 1I (CMD1I). Identifiers: Orphanet 154, MedGen C1858154, MONDO:0011482, OMIM 604765.

Allele frequency attached by ClinVar (database versions not stated): gnomAD exomes below 0.00001.
gnomAD v4.1: 1 of 1,604,354 alleles (0.000062%); highest among the groups gnomAD compares: East Asian, 0.0022%; no homozygotes.

Submissions (15):

Labcorp Genetics (formerly Invitae), Labcorp
Classification: Pathogenic for Desmin-related myofibrillar myopathy. Last evaluated: 2025-10-15. Review status: criteria provided, single submitter. Criteria: Invitae Variant Classification Sherloc (09022015). Collection method: clinical testing. Allele origin: germline.
Comment: This sequence change replaces arginine, which is basic and polar, with tryptophan, which is neutral and slightly polar, at codon 454 of the DES protein (p.Arg454Trp). This variant is not present in population databases (gnomAD no frequency). This missense change has been observed in individual(s) with clinical features of autosomal dominant DES-related conditions (PMID: 17221859, 20423733, 22106715, 22153487, 23349452, 25557463, 27854218). In at least one individual the variant was observed to be de novo. It has also been observed to segregate with disease in related individuals. ClinVar contains an entry for this variant (Variation ID: 66402). Invitae Evidence Modeling of protein sequence and biophysical properties (such as structural, functional, and spatial information, amino acid conservation, physicochemical variation, residue mobility, and thermodynamic stability) indicates that this missense variant is expected to disrupt DES protein function with a positive predictive value of 95%. Experimental studies have shown that this missense change affects DES function (PMID: 17221859, 20171226, 20448486). For these reasons, this variant has been classified as Pathogenic.

Ambry Genetics
Classification: Pathogenic for Cardiovascular phenotype. Last evaluated: 2025-05-05. Review status: criteria provided, single submitter. Criteria: Ambry Variant Classification Scheme 2023. Collection method: clinical testing. Allele origin: germline.
Comment: The p.R454W pathogenic mutation (also known as c.1360C>T), located in coding exon 8 of the DES gene, results from a C to T substitution at nucleotide position 1360. The arginine at codon 454 is replaced by tryptophan, an amino acid with dissimilar properties, and is located in the tail domain. This alteration was first reported in a subject with suspected hypertrophic cardiomyopathy (HCM) and muscle weakness who also carried a missense alteration in MYOT (B&auml;r H et al. Hum Mutat, 2007 Apr;28:374-86). This alteration has also been reported in 2 sets of siblings with arrhythmogenic right ventricular cardiomyopathy (ARVC), including one set who also had muscle weakness (Otten E et al. Heart Rhythm, 2010 Aug;7:1058-64; Weihl CC et al. Neuromuscul Disord, 2015 Mar;25:199-206). In addition, this alteration has been reported as de novo in several cases (B&auml;r H et al. Hum Mutat, 2007 Apr;28:374-86; Ackerman JP et al. Mayo Clin Proc, 2016 Oct; Oomen AWGJ et al. HeartRhythm Case Rep, 2018 Jul;4:318-323; Gearhart AS et al. HeartRhythm Case Rep, 2018 May;4:184-186). Functional studies also suggest this alteration has an impact on filament formation (B&auml;r H et al. Hum Mutat, 2007 Apr;28:374-86; Levin J et al. J Neuropathol Exp Neurol, 2010 Apr;69:415-24). This variant is considered to be rare based on population cohorts in the Genome Aggregation Database (gnomAD). This amino acid position is highly conserved in available vertebrate species. In addition, this alteration is predicted to be deleterious by in silico analysis. Based on the supporting evidence, this alteration is interpreted as a disease-causing mutation.

GeneDx
Classification: Pathogenic. Last evaluated: 2025-02-12. Review status: criteria provided, single submitter. Criteria: GeneDx Variant Classification Process June 2021. Collection method: clinical testing. Allele origin: germline. Affected: yes.
Comment: Not observed at significant frequency in large population cohorts (gnomAD); Immunohistochemistry on myocardial samples showed severely disrupted desmin protein distribution and a marked decrease in connexin-43, desmoplakin, and PKP2 signals at the intercalated discs (PMID: 20423733); In silico analysis supports that this missense variant has a deleterious effect on protein structure/function; This variant is associated with the following publications: (PMID: 23349452, 39657141, 25557463, 37082475, 35838873, 36243179, 36357925, 25179549, 22403400, 17221859, 27854218, 22153487, 22106715, 18769253, 27810088, 28256728, 29915714, 28611029, 30023281, 28986455, 31912959, 32142595, 31402444, 33673806, 32528171, 32235386, 35456383, 20448486, 38702926, 38771229, 34315782, LiL2024[Article], 26807690, 33906374, 20423733, 35653365, 31737537, 20171226)

Molecular Diagnostic Laboratory for Inherited Cardiovascular Disease, Montreal Heart Institute
Classification: Pathogenic for Cardiovascular phenotype. Last evaluated: 2024-08-23. Review status: criteria provided, single submitter. Criteria: ACMG Guidelines, 2015. Collection method: clinical testing. Allele origin: germline. Affected: yes.
Comment: PS2, PS4, PS3_mod, PM2, PP1_mod, PP3

Kariminejad - Najmabadi Pathology & Genetics Center
Classification: Pathogenic for Desmin-related myofibrillar myopathy. Last evaluated: 2023-11-03. Review status: criteria provided, single submitter. Criteria: ACMG Guidelines, 2015. Collection method: clinical testing. Allele origin: germline. Inheritance: Autosomal dominant inheritance. Affected: yes.
Comment: PM1,PM2,PP3,PP5, PP2?,PS3

Revvity Omics, Revvity
Classification: Pathogenic. Last evaluated: 2021-08-29. Review status: criteria provided, single submitter. Criteria: ACMG Guidelines, 2015. Collection method: clinical testing. Allele origin: germline.

Eurofins Ntd Llc (ga)
Classification: Pathogenic. Last evaluated: 2017-11-24. Review status: criteria provided, single submitter. Criteria: EGL Classification Definitions 2015. Collection method: clinical testing. Allele origin: germline. Observed: 4 variant alleles, 4 heterozygotes.

Blueprint Genetics
Classification: Pathogenic for DES-related disorders. Last evaluated: 2017-07-20. Review status: criteria provided, single submitter. Criteria: ACMG Guidelines, 2015. Collection method: clinical testing. Allele origin: germline. Affected: yes. Observed: 3 variant alleles.

Center for Human Genetics, University of Leuven
Classification: Pathogenic for Primary dilated cardiomyopathy. Last evaluated: 2017-02-09. Review status: criteria provided, single submitter. Criteria: ACMG Guidelines, 2015. Collection method: clinical testing. Allele origin: germline. Inheritance: Autosomal dominant inheritance. Affected: yes. Observed: 2 variant alleles.
Comment: ACMG score pathogenic

Athena Diagnostics
Classification: Likely pathogenic. Last evaluated: 2016-07-19. Review status: criteria provided, single submitter. Criteria: Athena Diagnostics Criteria. Collection method: clinical testing. Allele origin: germline.

Center for Genetic Medicine Research, Children's National Medical Center
Classification: Likely pathogenic for Desmin-related myofibrillar myopathy. Last evaluated: 2015-12-01. Review status: criteria provided, single submitter. Criteria: Punetha et al. (J Neuromuscul Dis. 2016). Collection method: research. Allele origin: inherited. Affected: yes.

Laboratory for Molecular Medicine, Mass General Brigham Personalized Medicine
Classification: Likely pathogenic for Primary dilated cardiomyopathy; Neuromuscular disease. Last evaluated: 2012-05-24. Review status: criteria provided, single submitter. Criteria: LMM Criteria. Collection method: clinical testing. Allele origin: germline. Inheritance: Autosomal dominant inheritance. Observed: 2 variant alleles.
Comment: The Arg454Trp variant in DES has been identified in 1 individual with HCM and mu scle weakness and in 2 siblings with AV Block and cardiac hypertrophy that progr essed to heart failure (Bar 2007, Otten 2010). This variant was also absent from 600 chromosomes and reportedly occurred de novo in the individual with HCM (Bar 2007). Functional studies demonstrated an effect on filament formation (Bar 200 7, Levin 2010). Arginine (Arg) at position 454 is highly conserved in evolution and computational analyses (PolyPhen2 and SIFT) suggest that this variant may im pact the protein, though this information is not predictive enough to determine a pathogenic role. Desmin variants have been described in patients with cardiomy opathy +/- myopathy (desminopathies; Goldfarb 2009, van Spaendonck-Zwarts 2010). In summary, this data supports that the Arg454Trp variant is likely pathogenic, though is needed to fully establish its pathogenicity.

Foundation for Research in Genetics and Endocrinology, FRIGE's Institute of Human Genetics
Classification: Pathogenic for Desmin-related myofibrillar myopathy. Review status: criteria provided, single submitter. Criteria: ACMG Guidelines, 2015. Collection method: clinical testing. Allele origin: germline. Inheritance: Autosomal dominant inheritance. Affected: yes. Observed: 1 heterozygote.
Comment: A heterozygous missense variation in exon 8 of the DES gene that results in the amino acid substitution of Tryptophan for Arginine at codon 454 was detected . The observed variation has previously been reported in patients affected with myofibrillar myopathy. The p.Arg454Trp variant has not been reported in 1000 genomes and gnomAD databases. The in silico predictions of the variant are probably damaging by PolyPhen-2 (HumDiv) and damaging by SIFT. The reference codon is conserved across species. This variant has been previously reported in patients with early distal myopathy and cardiomyopathy (PMID: 37082475). In summary, the variant meets our criteria to be classified as pathogenic.

Juno Genomics, Hangzhou Juno Genomics, Inc
Classification: Pathogenic for Dilated cardiomyopathy 1I; Desmin-related myofibrillar myopathy; Neurogenic scapuloperoneal syndrome, Kaeser type. Review status: criteria provided, single submitter. Criteria: ACMG Guidelines, 2015. Collection method: clinical testing. Allele origin: germline. Affected: yes.
Comment: Absent from controls (or at extremely low frequency if recessive) in Genome Aggregation Database, Exome Sequencing Project, 1000 Genomes Project, or Exome Aggregation Consortium.;The prevalence of the variant in affected individuals is significantly increased compared to the prevalence in controls.;Assumed de novo, but without confirmation of paternity and maternity.;Co-segregation with disease in multiple affected family members in a gene definitively known to cause the disease.;Well-established in vitro or in vivo functional studies supportive of a damaging effect on the gene or gene product.;Patient's phenotype or family history is highly specific for a disease with a single genetic etiology.

Epithelial Biology;  Institute of Medical Biology, Singapore
No classification provided. Review status: no classification provided. Collection method: not provided. Allele origin: not provided. Not counted in ClinVar's aggregate classification.

Literature cited by the submitters: PubMed 17221859 (cited by 3 submitters); PubMed 20423733 (cited by 3 submitters); PubMed 22106715 (cited by Labcorp Genetics (formerly Invitae), Labcorp and Athena Diagnostics); PubMed 22153487 (cited by Labcorp Genetics (formerly Invitae), Labcorp and Athena Diagnostics); PubMed 23349452 (cited by 3 submitters); PubMed 25557463 (cited by 3 submitters); PubMed 27854218 (cited by Labcorp Genetics (formerly Invitae), Labcorp); PubMed 20171226 (cited by Labcorp Genetics (formerly Invitae), Labcorp and Athena Diagnostics); PubMed 20448486 (cited by 3 submitters); PubMed 22403400 (cited by Ambry Genetics and Athena Diagnostics); PubMed 27810088 (cited by Ambry Genetics); PubMed 28256728 (cited by Ambry Genetics); PubMed 28611029 (cited by Ambry Genetics); PubMed 29915714 (cited by Ambry Genetics); PubMed 30023281 (cited by Ambry Genetics); PubMed 31912959 (cited by Ambry Genetics); PubMed 19151983 (cited by Athena Diagnostics); PubMed 18653338 (cited by Athena Diagnostics).

NM_001927.4(DES):c.1360C>T (p.Arg454Trp)

Gene: DES (desmin; plus strand). Cytogenetic location: 2q35.
Variant type: single nucleotide variant.
Coding change: c.1360C>T on transcript NM_001927.4 (MANE Select); coding-DNA position 1360, C replaced by T.
Protein change: p.Arg454Trp; replaces arginine 454 with tryptophan.
Molecular consequence: missense variant.
Genome position (GRCh38, 1-based): chr2:219,425,734, C>T. VCF-style: chr2-219425734-C-T. GRCh37 (hg19) VCF-style: chr2-220290456-C-T.
Other names: short protein forms R454W.
Identifiers: ClinVar variation 66402 (VCV000066402.38), dbSNP rs267607490, ClinGen allele CA217043.
Genomic context (GRCh38, chr2:219,425,734, plus strand): 5'-GAGCAAAGGGGTTCTGAGGTCCATACCAAGAAGACGGTGATGATCAAGACCATCGAGACA[C>T]GGGATGGGGAGGTAAGTGGTCTGTCTGGGCTCCTTACCCTTGGTGGGGGCTATGGATGTG-3'
Protein context (NP_001918.3, residues 444-464): KTVMIKTIET[Arg454Trp]DGEVVSEATQ